The following is an entry in ClinVar:

NM_005618.4(DLL1):c.1098T>G (p.Ser366Arg)

Gene: DLL1 (delta like canonical Notch ligand 1; minus strand). Cytogenetic location: 6q27.
Variant type: single nucleotide variant.
Coding change: c.1098T>G on transcript NM_005618.4 (MANE Select); coding-DNA position 1098, T replaced by G.
Protein change: p.Ser366Arg; replaces serine 366 with arginine.
Molecular consequence: missense variant.
Genome position (GRCh38, 1-based): chr6:170,285,070, A>C on the plus strand (T>G on the coding strand, the complement: DLL1 is on the minus strand). VCF-style: chr6-170285070-A-C. GRCh37 (hg19) VCF-style: chr6-170594158-A-C.
Other names: short protein forms S366R.
Identifiers: ClinVar variation 1408710 (VCV001408710.8), dbSNP rs2114960244, ClinGen allele CA366508024.

ClinVar aggregate classification (germline): Uncertain significance (1 of 4 stars; one submission).

Submission:

Labcorp Genetics (formerly Invitae), Labcorp
Classification: Uncertain significance. Last evaluated: 2022-07-26. Review status: criteria provided, single submitter. Criteria: Invitae Variant Classification Sherloc (09022015). Collection method: clinical testing. Allele origin: germline.
Comment: In summary, the available evidence is currently insufficient to determine the role of this variant in disease. Therefore, it has been classified as a Variant of Uncertain Significance. Algorithms developed to predict the effect of missense changes on protein structure and function are either unavailable or do not agree on the potential impact of this missense change (SIFT: "Deleterious"; PolyPhen-2: "Benign"; Align-GVGD: "Class C0"). ClinVar contains an entry for this variant (Variation ID: 1408710). This variant has not been reported in the literature in individuals affected with DLL1-related conditions. This variant is not present in population databases (gnomAD no frequency). This sequence change replaces serine, which is neutral and polar, with arginine, which is basic and polar, at codon 366 of the DLL1 protein (p.Ser366Arg).